The following is an entry in ClinVar:

ClinVar aggregate classification (germline): Conflicting classifications of pathogenicity. Review status: criteria provided, conflicting classifications (1 of 4 stars). 2 submissions from 2 submitters: Uncertain significance (1); Likely benign (1). Last evaluated 2025-10-23.

Conditions:
Fanconi anemia (FA). Also called: Fanconi's anemia. Identifiers: Orphanet 84, MedGen C0015625, MeSH D005199, MONDO:0019391.
Inborn genetic diseases. Identifiers: MedGen C0950123, MeSH D030342.

Allele frequency attached by ClinVar (database versions not stated): gnomAD exomes below 0.00001; TOPMed below 0.00001.
gnomAD v4.1: 1 of 1,610,960 alleles (0.000062%); highest among the groups gnomAD compares: Non-Finnish European, 0.000085%; no homozygotes.

Submissions (2):

Ambry Genetics
Classification: Likely benign for Inborn genetic diseases. Last evaluated: 2025-10-23. Review status: criteria provided, single submitter. Criteria: Ambry Variant Classification Scheme 2023. Collection method: clinical testing. Allele origin: germline.

Labcorp Genetics (formerly Invitae), Labcorp
Classification: Uncertain significance for Fanconi anemia. Last evaluated: 2021-12-16. Review status: criteria provided, single submitter. Criteria: Invitae Variant Classification Sherloc (09022015). Collection method: clinical testing. Allele origin: germline.
Comment: In summary, the available evidence is currently insufficient to determine the role of this variant in disease. Therefore, it has been classified as a Variant of Uncertain Significance. Algorithms developed to predict the effect of missense changes on protein structure and function output the following: SIFT: "Tolerated"; PolyPhen-2: "Benign"; Align-GVGD: "Class C0". The glycine amino acid residue is found in multiple mammalian species, which suggests that this missense change does not adversely affect protein function. This variant has not been reported in the literature in individuals affected with FANCM-related conditions. This variant is not present in population databases (gnomAD no frequency). This sequence change replaces aspartic acid, which is acidic and polar, with glycine, which is neutral and non-polar, at codon 807 of the FANCM protein (p.Asp807Gly).

NM_020937.4(FANCM):c.2420A>G (p.Asp807Gly)

Gene: FANCM (FA complementation group M; plus strand). Cytogenetic location: 14q21.2.
Variant type: single nucleotide variant.
Coding change: c.2420A>G on transcript NM_020937.4 (MANE Select); coding-DNA position 2420, A replaced by G.
Protein change: p.Asp807Gly; replaces aspartic acid 807 with glycine.
Molecular consequence: missense variant.
Genome position (GRCh38, 1-based): chr14:45,175,174, A>G. VCF-style: chr14-45175174-A-G. GRCh37 (hg19) VCF-style: chr14-45644377-A-G.
Other names: c.2342A>G, p.Asp781Gly (NM_001308133.2); short protein forms D781G, D807G.
Identifiers: ClinVar variation 1921899 (VCV001921899.6), dbSNP rs1888584152, ClinGen allele CA389597797.